The following is an entry in ClinVar:

NM_005120.3(MED12):c.6509G>T (p.Ser2170Ile)

Gene: MED12 (mediator complex subunit 12; plus strand). Cytogenetic location: Xq13.1.
Variant type: single nucleotide variant.
Coding change: c.6509G>T on transcript NM_005120.3 (MANE Select); coding-DNA position 6509, G replaced by T.
Protein change: p.Ser2170Ile; replaces serine 2170 with isoleucine.
Molecular consequence: missense variant.
Genome position (GRCh38, 1-based): chrX:71,142,193, G>T. VCF-style: chrX-71142193-G-T. GRCh37 (hg19) VCF-style: chrX-70362043-G-T.
Other names: short protein forms S2170I.
Identifiers: ClinVar variation 1942965 (VCV001942965.5), dbSNP rs2519725810, ClinGen allele CA413544734.

ClinVar aggregate classification (germline): Uncertain significance (1 of 4 stars; one submission).

Conditions:
FG syndrome (FGS). Identifiers: MedGen C0220769, MONDO:0002010.

Submission:

Labcorp Genetics (formerly Invitae), Labcorp
Classification: Uncertain significance for FG syndrome. Last evaluated: 2025-07-21. Review status: criteria provided, single submitter. Criteria: Invitae Variant Classification Sherloc (09022015). Collection method: clinical testing. Allele origin: germline.
Comment: This sequence change replaces serine, which is neutral and polar, with isoleucine, which is neutral and non-polar, at codon 2170 of the MED12 protein (p.Ser2170Ile). This variant is not present in population databases (gnomAD no frequency). This variant has not been reported in the literature in individuals affected with MED12-related conditions. ClinVar contains an entry for this variant (Variation ID: 1942965). Invitae Evidence Modeling of protein sequence and biophysical properties (such as structural, functional, and spatial information, amino acid conservation, physicochemical variation, residue mobility, and thermodynamic stability) indicates that this missense variant is not expected to disrupt MED12 protein function with a negative predictive value of 95%. Algorithms developed to predict the effect of sequence changes on RNA splicing suggest that this variant may disrupt the consensus splice site. In summary, the available evidence is currently insufficient to determine the role of this variant in disease. Therefore, it has been classified as a Variant of Uncertain Significance.